The following is an entry in ClinVar:

ClinVar aggregate classification (germline): Uncertain significance (1 of 4 stars; one submission).

Allele frequency attached by ClinVar (database versions not stated): ExAC 0.00007; gnomAD exomes 0.00007; gnomAD 0.00016 and 0.00017; TOPMed 0.00026.
gnomAD v4.1: 112 of 1,613,024 alleles (0.0069%); highest among the groups gnomAD compares: Admixed American, 0.05%; 1 homozygote.

Submission:

Labcorp Genetics (formerly Invitae), Labcorp
Classification: Uncertain significance. Last evaluated: 2022-11-22. Review status: criteria provided, single submitter. Criteria: Invitae Variant Classification Sherloc (09022015). Collection method: clinical testing. Allele origin: germline.
Comment: In summary, the available evidence is currently insufficient to determine the role of this variant in disease. Therefore, it has been classified as a Variant of Uncertain Significance. Variants that disrupt the consensus splice site are a relatively common cause of aberrant splicing (PMID: 17576681, 9536098). Algorithms developed to predict the effect of sequence changes on RNA splicing suggest that this variant is not likely to affect RNA splicing. ClinVar contains an entry for this variant (Variation ID: 1395955). This variant has not been reported in the literature in individuals affected with HTT-related conditions. This variant is present in population databases (rs757492225, gnomAD 0.03%). This sequence change falls in intron 47 of the HTT gene. It does not directly change the encoded amino acid sequence of the HTT protein. It affects a nucleotide within the consensus splice site.

Literature cited by the submitters: PubMed 17576681; PubMed 9536098.

NM_001388492.1(HTT):c.6414+4C>T

Gene: HTT (huntingtin; plus strand). Cytogenetic location: 4p16.3.
Variant type: single nucleotide variant.
Coding change: c.6414+4C>T on transcript NM_001388492.1 (MANE Select); 4 bases into the intron after coding-DNA position 6414, C replaced by T.
Molecular consequence: intron variant.
Genome position (GRCh38, 1-based): chr4:3,209,953, C>T. VCF-style: chr4-3209953-C-T. GRCh37 (hg19) VCF-style: chr4-3211680-C-T.
Other names: c.6414+4C>T (NM_002111.8).
Identifiers: ClinVar variation 1395955 (VCV001395955.6), dbSNP rs757492225, ClinGen allele CA2825028.
Genomic context (GRCh38, chr4:3,209,953, plus strand): 5'-GCAGAGCTGGTGAATCGGATTCCTGCTGAAGATATGAATGCCTTCATGATGAACTCGGTA[C>T]GGGGGGAGCAGTGGAGGCAAGGAATCCTCAGCTTTTCTTGTGACTTCCAAGTGGGATTTG-3'